The following is an entry in ClinVar:

NM_014264.5(PLK4):c.2562+1G>C

Gene: PLK4 (polo like kinase 4; plus strand). Cytogenetic location: 4q28.1.
Variant type: single nucleotide variant.
Coding change: c.2562+1G>C on transcript NM_014264.5 (MANE Select); the canonical splice donor site of the intron after coding-DNA position 2562, G replaced by C.
Molecular consequence: splice donor variant.
Genome position (GRCh38, 1-based): chr4:127,893,882, G>C. VCF-style: chr4-127893882-G-C. GRCh37 (hg19) VCF-style: chr4-128815037-G-C.
Other names: c.2466+1G>C (NM_001190799.2); c.2439+1G>C (NM_001190801.2).
Identifiers: ClinVar variation 1031259 (VCV001031259.1), dbSNP rs1473460404, ClinGen allele CA358162922.

ClinVar aggregate classification (germline): Likely pathogenic (1 of 4 stars; one submission).

Conditions:
Microcephaly and chorioretinopathy 2. Also called: Microcephaly and chorioretinopathy, autosomal recessive, 2. Identifiers: Orphanet 808, MedGen C4015388, MONDO:0014516, OMIM 616171.

Allele frequency attached by ClinVar (database versions not stated): TOPMed 0.00001 and below 0.00001.

Submission:

Baylor Genetics
Classification: Likely pathogenic for Microcephaly and chorioretinopathy 2. Last evaluated: 2019-12-26. Review status: criteria provided, single submitter. Criteria: ACMG Guidelines, 2015. Collection method: clinical testing. Allele origin: unknown. Affected: yes.
Comment: This variant was determined to be likely pathogenic according to ACMG Guidelines, 2015 [PMID:25741868].